The following is an entry in ClinVar:

ClinVar aggregate classification (germline): Likely benign. Review status: criteria provided, multiple submitters, no conflicts (2 of 4 stars). 3 submissions from 3 submitters: Likely benign (2). 1 of the submissions does not count toward it. Last evaluated 2024-12-17.

Conditions:
LYST-related disorder. Also called: LYST-related condition.
Chédiak-Higashi syndrome (CHS). Also called: Chediak-Higashi Syndrome. Identifiers: Orphanet 167, MedGen C0007965, MONDO:0008963, OMIM 214500.

Submissions (3):

Mayo Clinic Laboratories, Mayo Clinic
Classification: Likely benign. Last evaluated: 2024-12-17. Review status: criteria provided, single submitter. Criteria: ACMG Guidelines, 2015. Collection method: clinical testing. Allele origin: germline. Observed: 1 variant allele.
Comment: BP4, BP7, PM2_supporting

Labcorp Genetics (formerly Invitae), Labcorp
Classification: Likely benign for Chédiak-Higashi syndrome. Last evaluated: 2024-02-07. Review status: criteria provided, single submitter. Criteria: Invitae Variant Classification Sherloc (09022015). Collection method: clinical testing. Allele origin: germline.

PreventionGenetics, part of Exact Sciences
Classification: Uncertain significance for LYST-related condition. Last evaluated: 2024-05-29. Review status: no assertion criteria provided. Collection method: clinical testing. Allele origin: germline. Not counted in ClinVar's aggregate classification.
Comment: The LYST c.6225A>T variant is not predicted to result in an amino acid change (p.=). This variant is predicted to alter splicing based on available splicing prediction programs (SpliceAI, Jaganathan et al. 2019. PubMed ID: 30661751). However, such computer prediction programs are imperfect. To our knowledge, this variant has not been reported in the literature or in a large population database, indicating this variant is rare. At this time, the clinical significance of this variant is uncertain due to the absence of conclusive functional and genetic evidence.

NM_000081.4(LYST):c.6225A>T (p.Pro2075=)

Gene: LYST (lysosomal trafficking regulator; minus strand). Cytogenetic location: 1q42.3.
Variant type: single nucleotide variant.
Coding change: c.6225A>T on transcript NM_000081.4 (MANE Select); coding-DNA position 6225, A replaced by T.
Protein change: p.Pro2075=; no amino-acid change (proline 2075 retained).
Molecular consequence: synonymous variant.
Genome position (GRCh38, 1-based): chr1:235,762,748, T>A on the plus strand (A>T on the coding strand, the complement: LYST is on the minus strand). VCF-style: chr1-235762748-T-A. GRCh37 (hg19) VCF-style: chr1-235926048-T-A.
Other names: p.Pro2075=; c.6225A>T, p.Pro2075= (NM_001301365.1).
Identifiers: ClinVar variation 2870936 (VCV002870936.5), dbSNP rs761762580, ClinGen allele CA423775783.